The following is an entry in ClinVar:

ClinVar aggregate classification (germline): Uncertain significance. Review status: criteria provided, multiple submitters, no conflicts (2 of 4 stars). 4 submissions from 4 submitters: Uncertain significance (3). 1 of the submissions does not count toward it. Last evaluated 2025-05-22.

Conditions:
Meckel syndrome, type 4 (MKS4). Also called: MECKEL-GRUBER SYNDROME, TYPE 4. Identifiers: Orphanet 564, MedGen C1970161, MONDO:0012626, OMIM 611134.
Bardet-Biedl syndrome 14 (BBS14). Identifiers: Orphanet 110, MedGen C2673874, MONDO:0014442, OMIM 615991.
Senior-Loken syndrome 6 (SLSN6). Identifiers: Orphanet 3156, MedGen C1857779, MONDO:0012433, OMIM 610189.
Joubert syndrome 5 (JBTS5). Identifiers: Orphanet 2318, MedGen C1857780, MONDO:0012432, OMIM 610188.
Leber congenital amaurosis 10 (LCA10). Identifiers: Orphanet 65, MedGen C1857821, MONDO:0012723, OMIM 611755.
Joubert syndrome. Also called: Familial aplasia of the vermis; JOUBERT-BOLTSHAUSER SYNDROME. Identifiers: Orphanet 475, MedGen C5979921, MONDO:0018772.
Nephronophthisis. Also called: Juvenile Nephronophthisis. Identifiers: Orphanet 655, MedGen C0687120, MONDO:0019005, HP:0000090.
Meckel-Gruber syndrome. Also called: Dysencephalia splachnocystica; GRUBER SYNDROME; DYSENCEPHALIA SPLANCHNOCYSTICA. Identifiers: Orphanet 564, MedGen C0265215, MONDO:0018921.
CEP290-related disorder. Also called: CEP290-related condition; CEP290-related disorders. Identifiers: MedGen CN239314.
Leber congenital amaurosis (LCA). Also called: Leber's amaurosis. Identifiers: Orphanet 65, MedGen C0339527, MeSH D057130, MONDO:0018998.

Allele frequency attached by ClinVar (database versions not stated): gnomAD exomes below 0.00001.

Submissions (4):

PreventionGenetics, part of Exact Sciences
Classification: Uncertain significance for CEP290-related condition. Last evaluated: 2025-05-22. Review status: criteria provided, single submitter. Criteria: ACMG Guidelines, 2015. Collection method: clinical testing. Allele origin: germline.
Comment: The CEP290 c.2233A>G variant is predicted to result in the amino acid substitution p.Lys745Glu. To our knowledge, this variant has not been reported in the literature. This variant is reported in 0.0084% of alleles in individuals of African descent in gnomAD. At this time, the clinical significance of this variant is uncertain due to the absence of conclusive functional and genetic evidence.

Labcorp Genetics (formerly Invitae), Labcorp
Classification: Uncertain significance for Joubert syndrome; Meckel-Gruber syndrome; Nephronophthisis. Last evaluated: 2021-11-12. Review status: criteria provided, single submitter. Criteria: Invitae Variant Classification Sherloc (09022015). Collection method: clinical testing. Allele origin: germline.
Comment: This sequence change replaces lysine, which is basic and polar, with glutamic acid, which is acidic and polar, at codon 745 of the CEP290 protein (p.Lys745Glu). The frequency data for this variant in the population databases is considered unreliable, as metrics indicate poor data quality at this position in the gnomAD database. This variant has not been reported in the literature in individuals affected with CEP290-related conditions. Algorithms developed to predict the effect of missense changes on protein structure and function are either unavailable or do not agree on the potential impact of this missense change (SIFT: "Tolerated"; PolyPhen-2: "Possibly Damaging"; Align-GVGD: "Class C0"). In summary, the available evidence is currently insufficient to determine the role of this variant in disease. Therefore, it has been classified as a Variant of Uncertain Significance.

Fulgent Genetics
Classification: Uncertain significance for Joubert syndrome 5; Senior-Loken syndrome 6; Meckel syndrome, type 4; Leber congenital amaurosis 10; Bardet-Biedl syndrome 14. Last evaluated: 2021-10-19. Review status: criteria provided, single submitter. Criteria: ACMG Guidelines, 2015. Collection method: clinical testing. Allele origin: unknown.

Natera, Inc.
Classification: Uncertain significance for Leber congenital amaurosis. Last evaluated: 2025-02-07. Review status: no assertion criteria provided. Collection method: clinical testing. Allele origin: germline. Not counted in ClinVar's aggregate classification.

NM_025114.4(CEP290):c.2233A>G (p.Lys745Glu)

Gene: CEP290 (centrosomal protein 290; minus strand). Cytogenetic location: 12q21.32.
Variant type: single nucleotide variant.
Coding change: c.2233A>G on transcript NM_025114.4 (MANE Select); coding-DNA position 2233, A replaced by G.
Protein change: p.Lys745Glu; replaces lysine 745 with glutamic acid.
Molecular consequence: missense variant.
Genome position (GRCh38, 1-based): chr12:88,111,336, T>C on the plus strand (A>G on the coding strand, the complement: CEP290 is on the minus strand). VCF-style: chr12-88111336-T-C. GRCh37 (hg19) VCF-style: chr12-88505113-T-C.
Other names: c.2233A>G (NM_025114.3); short protein forms K745E.
Identifiers: ClinVar variation 1379634 (VCV001379634.6), dbSNP rs1193394531, ClinGen allele CA385974720.